The following is an entry in ClinVar:

ClinVar aggregate classification (germline): Likely benign (1 of 4 stars; one submission).

Allele frequency attached by ClinVar (database versions not stated): TOPMed below 0.00001.

Submission:

GeneDx
Classification: Likely benign. Last evaluated: 2018-01-05. Review status: criteria provided, single submitter. Criteria: GeneDx Variant Classification (06012015). Collection method: clinical testing. Allele origin: germline. Affected: yes.
Comment: This variant is considered likely benign or benign based on one or more of the following criteria: it is a conservative change, it occurs at a poorly conserved position in the protein, it is predicted to be benign by multiple in silico algorithms, and/or has population frequency not consistent with disease.

NM_173630.4(RTTN):c.6339C>T (p.His2113=)

Gene: RTTN (rotatin; minus strand). Cytogenetic location: 18q22.2.
Variant type: single nucleotide variant.
Coding change: c.6339C>T on transcript NM_173630.4 (MANE Select); coding-DNA position 6339, C replaced by T.
Protein change: p.His2113=; no amino-acid change (histidine 2113 retained).
Molecular consequence: synonymous variant.
Genome position (GRCh38, 1-based): chr18:70,017,489, G>A on the plus strand (C>T on the coding strand, the complement: RTTN is on the minus strand). VCF-style: chr18-70017489-G-A. GRCh37 (hg19) VCF-style: chr18-67684725-G-A.
Other names: c.3603C>T, p.His1201= (NM_001318520.2).
Identifiers: ClinVar variation 514498 (VCV000514498.1), dbSNP rs1201086381, ClinGen allele CA504545471.